The following is an entry in ClinVar:

ClinVar aggregate classification (germline): Uncertain significance (1 of 4 stars; one submission).

Conditions:
Cardiomyopathy (CMYO). Also called: Cardiomyopathies. Identifiers: Orphanet 167848, MedGen C0878544, MONDO:0004994, HP:0001638. Inheritance: Various modes of inheritance.

Submission:

Color Diagnostics, LLC DBA Color Health
Classification: Uncertain significance for Cardiomyopathy. Last evaluated: 2023-03-07. Review status: criteria provided, single submitter. Criteria: ACMG Guidelines, 2015. Collection method: clinical testing. Allele origin: germline.
Comment: This variant causes a deletion of glutamate at codon 170 of the DSG2 protein. To our knowledge, functional studies have not been reported for this variant. This variant has not been reported in individuals affected with DSG2-related disorders in the literature. This variant has not been identified in the general population by the Genome Aggregation Database (gnomAD). The available evidence is insufficient to determine the role of this variant in disease conclusively. Therefore, this variant is classified as a Variant of Uncertain Significance.

NM_001943.5(DSG2):c.507_509del (p.Glu170del)

Gene: DSG2 (desmoglein 2; plus strand). Cytogenetic location: 18q12.1.
Variant type: Deletion.
Coding change: c.507_509del on transcript NM_001943.5 (MANE Select); coding-DNA positions 507 to 509, 3 bases deleted (AGA; older notation c.507_509delAGA).
Protein change: p.Glu170del; deletes glutamic acid 170.
Molecular consequence: inframe deletion.
Genome position (GRCh38, 1-based): chr18:31,521,227-31,521,229, AGA deleted; deleting any 3 consecutive bases within chr18:31,521,225-31,521,229 gives the same sequence; the c. name uses the placement nearest the transcript's 3' end. VCF-style (leftmost placement, unchanged base first): chr18-31521224-TGAA-T. GRCh37 (hg19) VCF-style: chr18-29101187-TGAA-T.
Other names: short protein forms E170del.
Identifiers: ClinVar variation 2775209 (VCV002775209.2), dbSNP rs2510911172, ClinGen allele CA2697555385.